The following is an entry in ClinVar:

ClinVar aggregate classification (germline): Uncertain significance (0 of 4 stars; one submission).

Conditions:
Breast ductal adenocarcinoma. Also called: Ductal breast carcinoma; Breast cancer, invasive ductal. Identifiers: MedGen C1527349, MONDO:0005590.

Submission:

Next Generation Diagnostics, Novartis Institutes for BioMedical Research, Inc.
Classification: Uncertain significance for Breast ductal adenocarcinoma. Last evaluated: 2015-07-20. Review status: no assertion criteria provided. Collection method: research. Allele origin: somatic. Affected: yes.
Comment: Loss of heterozygosity

Single allele

Genes: IFNA10 (interferon alpha 10; minus strand), IFNA4 (interferon alpha 4; minus strand), IFNA7 (interferon alpha 7; minus strand). Cytogenetic location: 9p21.3.
Variant type: Complex.
Identifiers: ClinVar variation 221342 (VCV000221342.2).